The following is an entry in ClinVar:

NM_015158.5(KANK1):c.1_2delinsTG (p.Met1Trp)

Genes: KANK1 (KN motif and ankyrin repeat domains 1; plus strand), KANK1-AS1 (KANK1 antisense RNA 1; minus strand). Cytogenetic location: 9p24.3.
Variant type: Indel.
Coding change: c.1_2delinsTG on transcript NM_015158.5 (MANE Select); coding-DNA positions 1 to 2, AT replaced by TG.
Protein change: p.Met1Trp; changes the start codon (methionine 1).
Molecular consequence: missense variant, initiator codon variant. On other transcripts: 5 prime UTR variant (1).
Genome position (GRCh38, 1-based): chr9:676,973-676,974, AT replaced by TG. VCF-style: chr9-676973-AT-TG. GRCh37 (hg19) VCF-style: chr9-676973-AT-TG.
Other names: c.1_2delinsTG, p.Met1Trp (NM_001256876.3, NM_001256877.3, NM_001354331.2 and 2 more transcripts); c.-507_-506delinsTG (NM_001354333.2); short protein forms M1W.
Identifiers: ClinVar variation 2635205 (VCV002635205.1), dbSNP rs2538595995, ClinGen allele CA2695201535.
Genomic context (GRCh38, chr9:676,973, plus strand): 5'-TGCATAAAATTTGCATGACTCCTCACTCCTTTCTGGATCTCTCATTGGACTCAAGCCAGC[AT>TG]GGCTCACACCACAAAGGTTAACGGCAGTGCCTCAGGTAACCCTGTGCTCTGGAGTTTGTG-3'
Protein context (NP_055973.2, residues 1-11): [Met1Trp]AHTTKVNGSA

ClinVar aggregate classification (germline): Uncertain significance (1 of 4 stars; one submission).

Conditions:
KANK1-related disorder. Also called: KANK1-related condition.

Submission:

PreventionGenetics, part of Exact Sciences
Classification: Uncertain significance for KANK1-related condition. Last evaluated: 2022-10-20. Review status: criteria provided, single submitter. Criteria: ACMG Guidelines, 2015. Collection method: clinical testing. Allele origin: germline.
Comment: The KANK1 c.1_2delinsTG variant is predicted to disrupt the translation initiation site (Start loss). To our knowledge, this variant has not been reported in the literature or in a large population database, indicating this variant is rare. At this time, the clinical significance of this variant is uncertain due to the absence of conclusive functional and genetic evidence.